The following is an entry in ClinVar:

ClinVar aggregate classification (germline): Uncertain significance. Review status: criteria provided, multiple submitters, no conflicts (2 of 4 stars). 2 submissions from 2 submitters: Uncertain significance (2). Last evaluated 2025-07-02.

Conditions:
Progressive familial heart block type IB (PFHB1B). Identifiers: Orphanet 871, MedGen C1970298, MONDO:0011474, OMIM 604559.
Cardiovascular phenotype. Identifiers: MedGen CN230736.

Allele frequency attached by ClinVar (database versions not stated): gnomAD 0.00001; ExAC 0.00002; gnomAD exomes 0.00002; TOPMed 0.00003; ESP Exome Variant Server 0.00008.

Submissions (2):

Ambry Genetics
Classification: Uncertain significance for Cardiovascular phenotype. Last evaluated: 2025-07-02. Review status: criteria provided, single submitter. Criteria: Ambry Variant Classification Scheme 2023. Collection method: clinical testing. Allele origin: germline.
Comment: The c.3031dupT variant, located in coding exon 20 of the TRPM4 gene, results from a duplication of T at nucleotide position 3031, causing a translational frameshift with a predicted alternate stop codon (p.C1011Lfs*105). This alteration is expected to result in loss of function by premature protein truncation or nonsense-mediated mRNA decay. However, loss of function of TRPM4 has not been clearly established as a mechanism of disease. Since supporting evidence is limited at this time, the clinical significance of this alteration remains unclear.

Labcorp Genetics (formerly Invitae), Labcorp
Classification: Uncertain significance for Progressive familial heart block type IB. Last evaluated: 2024-07-01. Review status: criteria provided, single submitter. Criteria: Invitae Variant Classification Sherloc (09022015). Collection method: clinical testing. Allele origin: germline.
Comment: This sequence change creates a premature translational stop signal (p.Cys1011Leufs*105) in the TRPM4 gene. It is expected to result in an absent or disrupted protein product. However, the current clinical and genetic evidence is not sufficient to establish whether loss-of-function variants in TRPM4 cause disease. This variant is present in population databases (rs752891976, gnomAD 0.01%). This variant has not been reported in the literature in individuals affected with TRPM4-related conditions. ClinVar contains an entry for this variant (Variation ID: 1799050). Experimental studies and prediction algorithms are not available or were not evaluated, and the functional significance of this variant is currently unknown. In summary, the available evidence is currently insufficient to determine the role of this variant in disease. Therefore, it has been classified as a Variant of Uncertain Significance.

NM_017636.4(TRPM4):c.3031dup (p.Cys1011fs)

Gene: TRPM4 (transient receptor potential cation channel subfamily M member 4; plus strand). Cytogenetic location: 19q13.33.
Variant type: Duplication.
Coding change: c.3031dup on transcript NM_017636.4 (MANE Select); coding-DNA position 3031, one base duplicated (T; older notation c.3031dupT).
Protein change: p.Cys1011fs; shifts the reading frame from cysteine 1011.
Molecular consequence: frameshift variant.
Genome position (GRCh38, 1-based): chr19:49,202,041, T duplicated. VCF-style (leftmost placement, unchanged base first): chr19-49202040-C-CT. GRCh37 (hg19) VCF-style: chr19-49705297-C-CT.
Other names: c.2596dup, p.Cys866fs (NM_001195227.2); c.2686dup, p.Cys896fs (NM_001321281.2); c.1423dup, p.Cys475fs (NM_001321282.2); c.2509dup, p.Cys837fs (NM_001321283.2); c.1969dup, p.Cys657fs (NM_001321285.2); short protein forms C1011fs, C475fs, C657fs, C837fs, C866fs, C896fs.
Identifiers: ClinVar variation 1799050 (VCV001799050.7), dbSNP rs752891976, ClinGen allele CA9569752.